The following is an entry in ClinVar:

NM_001199107.2(TBC1D24):c.1409C>T (p.Ser470Phe)

Gene: TBC1D24 (TBC1 domain family member 24; plus strand). Cytogenetic location: 16p13.3.
Variant type: single nucleotide variant.
Coding change: c.1409C>T on transcript NM_001199107.2 (MANE Select); coding-DNA position 1409, C replaced by T.
Protein change: p.Ser470Phe; replaces serine 470 with phenylalanine.
Molecular consequence: missense variant.
Genome position (GRCh38, 1-based): chr16:2,500,374, C>T. VCF-style: chr16-2500374-C-T. GRCh37 (hg19) VCF-style: chr16-2550375-C-T.
Other names: c.1391C>T, p.Ser464Phe (NM_020705.3); short protein forms S464F, S470F.
Identifiers: ClinVar variation 3751843 (VCV003751843.2).

ClinVar aggregate classification (germline): Uncertain significance (1 of 4 stars; one submission).

Conditions:
Autosomal dominant nonsyndromic hearing loss 65. Also called: Deafness, autosomal dominant 65; TBC1D24-Related Autosomal Dominant Nonsyndromic Hearing Loss (DFNA). Identifiers: Orphanet 90635, MedGen C3892048, MONDO:0014470, OMIM 616044.
Developmental and epileptic encephalopathy, 1 (DEE1). Also called: INFANTILE SPASM SYNDROME, X-LINKED 1; X-linked infantile spasms; West's syndrome; Tonic spasms with clustering, arrest of psychomotor development and hypsarrhythmia on EEG; X-Linked Infantile Spasm Syndrome; OHTAHARA SYNDROME, X-LINKED. Identifiers: MedGen C3463992, MONDO:0010632, OMIM 308350. Disease mechanism: loss of function.

Submission:

Labcorp Genetics (formerly Invitae), Labcorp
Classification: Uncertain significance for Developmental and epileptic encephalopathy, 1; Autosomal dominant nonsyndromic hearing loss 65. Last evaluated: 2024-02-15. Review status: criteria provided, single submitter. Criteria: Invitae Variant Classification Sherloc (09022015). Collection method: clinical testing. Allele origin: germline.
Comment: This sequence change replaces serine, which is neutral and polar, with phenylalanine, which is neutral and non-polar, at codon 470 of the TBC1D24 protein (p.Ser470Phe). This variant is not present in population databases (gnomAD no frequency). This variant has not been reported in the literature in individuals affected with TBC1D24-related conditions. Advanced modeling of protein sequence and biophysical properties (such as structural, functional, and spatial information, amino acid conservation, physicochemical variation, residue mobility, and thermodynamic stability) performed at Invitae indicates that this missense variant is not expected to disrupt TBC1D24 protein function with a negative predictive value of 95%. In summary, the available evidence is currently insufficient to determine the role of this variant in disease. Therefore, it has been classified as a Variant of Uncertain Significance.